The following is an entry in ClinVar:

ClinVar aggregate classification (germline): Uncertain significance (1 of 4 stars; one submission).

Conditions:
RASopathy. Also called: rasopathies; Noonan spectrum disorder. Identifiers: Orphanet 536391, MedGen C5555857, MONDO:0021060.

Submission:

Labcorp Genetics (formerly Invitae), Labcorp
Classification: Uncertain significance for RASopathy. Last evaluated: 2023-06-23. Review status: criteria provided, single submitter. Criteria: Invitae Variant Classification Sherloc (09022015). Collection method: clinical testing. Allele origin: germline.
Comment: Advanced modeling of protein sequence and biophysical properties (such as structural, functional, and spatial information, amino acid conservation, physicochemical variation, residue mobility, and thermodynamic stability) performed at Invitae indicates that this missense variant is not expected to disrupt CBL protein function. This sequence change replaces glutamic acid, which is acidic and polar, with valine, which is neutral and non-polar, at codon 690 of the CBL protein (p.Glu690Val). This variant is not present in population databases (gnomAD no frequency). This variant has not been reported in the literature in individuals affected with CBL-related conditions. In summary, the available evidence is currently insufficient to determine the role of this variant in disease. Therefore, it has been classified as a Variant of Uncertain Significance.

NM_005188.4(CBL):c.2069A>T (p.Glu690Val)

Gene: CBL (Cbl proto-oncogene; plus strand). Cytogenetic location: 11q23.3.
Variant type: single nucleotide variant.
Coding change: c.2069A>T on transcript NM_005188.4 (MANE Select); coding-DNA position 2069, A replaced by T.
Protein change: p.Glu690Val; replaces glutamic acid 690 with valine.
Molecular consequence: missense variant.
Genome position (GRCh38, 1-based): chr11:119,296,950, A>T. VCF-style: chr11-119296950-A-T. GRCh37 (hg19) VCF-style: chr11-119167660-A-T.
Other names: short protein forms E690V.
Identifiers: ClinVar variation 2752912 (VCV002752912.3), dbSNP rs2135319817, ClinGen allele CA382926631.